The following is an entry in ClinVar:

NM_004958.4(MTOR):c.1980C>T (p.Leu660=)

Gene: MTOR (mechanistic target of rapamycin kinase; minus strand). Cytogenetic location: 1p36.22.
Variant type: single nucleotide variant.
Coding change: c.1980C>T on transcript NM_004958.4 (MANE Select); coding-DNA position 1980, C replaced by T.
Protein change: p.Leu660=; no amino-acid change (leucine 660 retained).
Molecular consequence: synonymous variant.
Genome position (GRCh38, 1-based): chr1:11,238,424, G>A on the plus strand (C>T on the coding strand, the complement: MTOR is on the minus strand). VCF-style: chr1-11238424-G-A. GRCh37 (hg19) VCF-style: chr1-11298481-G-A.
Other names: c.1980C>T, p.Leu660= (NM_001386500.1); c.732C>T, p.Leu244= (NM_001386501.1).
Identifiers: ClinVar variation 2724458 (VCV002724458.9), dbSNP rs749797494, ClinGen allele CA590604.

ClinVar aggregate classification (germline): Likely benign. Review status: criteria provided, multiple submitters, no conflicts (2 of 4 stars). 2 submissions from 2 submitters: Likely benign (2). Last evaluated 2025-11-01.

Allele frequency attached by ClinVar (database versions not stated): TOPMed below 0.00001; ExAC 0.00001; gnomAD 0.00001.
gnomAD v4.1: 8 of 1,613,904 alleles (0.0005%); highest among the groups gnomAD compares: South Asian, 0.0033%; no homozygotes.

Submissions (2):

CeGaT Center for Human Genetics Tuebingen
Classification: Likely benign. Last evaluated: 2025-11-01. Review status: criteria provided, single submitter. Criteria: CeGaT Center For Human Genetics Tuebingen Variant Classification Criteria Version 2. Collection method: clinical testing. Allele origin: germline. Affected: yes. Observed: 1 variant allele.
Comment: MTOR: BP4, BP7

Labcorp Genetics (formerly Invitae), Labcorp
Classification: Likely benign. Last evaluated: 2023-10-16. Review status: criteria provided, single submitter. Criteria: Invitae Variant Classification Sherloc (09022015). Collection method: clinical testing. Allele origin: germline.